The following is an entry in ClinVar:

NM_000439.5(PCSK1):c.1550G>A (p.Arg517Gln)

Genes: CAST (calpastatin; plus strand), PCSK1 (proprotein convertase subtilisin/kexin type 1; minus strand), LOC101929710 (uncharacterized LOC101929710; plus strand). Cytogenetic location: 5q15.
Variant type: single nucleotide variant.
Coding change: c.1550G>A on transcript NM_000439.5 (MANE Select); coding-DNA position 1550, G replaced by A.
Protein change: p.Arg517Gln; replaces arginine 517 with glutamine.
Molecular consequence: missense variant.
Genome position (GRCh38, 1-based): chr5:96,398,917, C>T on the plus strand (G>A on the coding strand, the complement: PCSK1 is on the minus strand). VCF-style: chr5-96398917-C-T. GRCh37 (hg19) VCF-style: chr5-95734621-C-T.
Other names: c.1409G>A, p.Arg470Gln (NM_001177875.2); c.1550G>A (NM_000439.4); short protein forms R470Q, R517Q.
Identifiers: ClinVar variation 1337803 (VCV001337803.9), dbSNP rs149124467, ClinGen allele CA3350196.

ClinVar aggregate classification (germline): Uncertain significance. Review status: criteria provided, multiple submitters, no conflicts (2 of 4 stars). 3 submissions from 3 submitters: Uncertain significance (3). Last evaluated 2026-08-04.

Conditions:
PCSK1-related disorder. Also called: PCSK1-related condition.

Allele frequency attached by ClinVar (database versions not stated): ExAC 0.00007; gnomAD exomes 0.00007 and 0.00013; TOPMed 0.00011; gnomAD 0.00013 and 0.00014; ESP Exome Variant Server 0.00015.
gnomAD v4.1: 203 of 1,613,432 alleles (0.013%); highest among the groups gnomAD compares: Non-Finnish European, 0.016%; no homozygotes.

Submissions (3):

PreventionGenetics, part of Exact Sciences
Classification: Uncertain significance for PCSK1-related condition. Last evaluated: 2026-08-04. Review status: criteria provided, single submitter. Criteria: ACMG Guidelines, 2015. Collection method: clinical testing. Allele origin: germline.
Comment: The PCSK1 c.1550G>A variant is predicted to result in the amino acid substitution p.Arg517Gln. This variant was observed in a cohort of individuals with obesity, and in vitro functional studies show strong evidence of loss of function (Table 3 and Supplemental Data Set, Shah et al. 2023. PubMed ID: 36864747). It is reported in 0.016% of alleles in individuals of African descent in gnomAD. A different variant affecting the same amino acid residue (p.Arg517Gly) was reported in a study related to non-syndromic early-onset obesity, but no further information was provided (Table S1, Serra-Juhé et al. 2020. PubMed ID: 30926952). Although we suspect this variant may be pathogenic, at this time, the clinical significance of this variant is uncertain due to the absence of conclusive functional and genetic evidence.

Genetic Services Laboratory, University of Chicago
Classification: Uncertain significance. Last evaluated: 2021-07-16. Review status: criteria provided, single submitter. Criteria: ACMG Guidelines, 2015. Collection method: clinical testing. Allele origin: germline. Affected: no.
Comment: DNA sequence analysis of the PCSK1 gene demonstrated a sequence change, c.1550G>A, in exon 11 that results in an amino acid change, p.Arg517Gln. This sequence change has been described in the gnomAD database with a frequency of 0.016% in the African/African American subpopulation (dbSNP rs149124467). The p.Arg517Gln change affects a highly conserved amino acid residue located in a domain of the PCSK1 protein that is known to be functional. In-silico pathogenicity prediction tools (SIFT, PolyPhen2, Align GVGD, REVEL) provide contradictory results for the p.Arg517Gln substitution. This sequence change does not appear to have been previously described in individuals with PCSK1-related disorders. Due to insufficient evidences and the lack of functional studies, the clinical significance of the p.Arg517Gln change remains unknown at this time.

Breakthrough Genomics
Classification: Uncertain significance. Review status: criteria provided, single submitter. Criteria: ACMG Guidelines, 2015. Collection method: not provided. Allele origin: germline. Inheritance: Autosomal recessive inheritance. Affected: yes.